The following is an entry in ClinVar:

NM_001135649.3(FOXI3):c.701del (p.Phe234fs)

Gene: FOXI3 (forkhead box I3; minus strand). Cytogenetic location: 2p11.2.
Variant type: Deletion.
Coding change: c.701del on transcript NM_001135649.3 (MANE Select); coding-DNA position 701, one base deleted (T; older notation c.701delT).
Protein change: p.Phe234fs; shifts the reading frame from phenylalanine 234.
Molecular consequence: frameshift variant.
Genome position (GRCh38, 1-based): chr2:88,448,769, A deleted on the plus strand (T on the coding strand, the reverse complement: FOXI3 is on the minus strand); the first of 2 consecutive A bases (chr2:88,448,769-88,448,770); deleting either gives the same sequence. VCF-style (leftmost placement, unchanged base first): chr2-88448768-GA-G. GRCh37 (hg19) VCF-style: chr2-88748287-GA-G.
Other names: short protein forms F234fs.
Identifiers: ClinVar variation 3774268 (VCV003774268.2).

ClinVar aggregate classification (germline): Likely pathogenic (1 of 4 stars; one submission).

Submission:

GeneDx
Classification: Likely pathogenic. Last evaluated: 2026-03-16. Review status: criteria provided, single submitter. Criteria: GeneDx Variant Classification Process June 2021. Collection method: clinical testing. Allele origin: germline.
Comment: Frameshift variant predicted to result in abnormal protein length as the last 187 amino acid(s) are replaced with 48 different amino acid(s), and other similar variants have been reported in HGMD; Not observed at significant frequency in large population cohorts (gnomAD); Has not been previously published as pathogenic or benign to our knowledge